The following is an entry in ClinVar:

ClinVar aggregate classification (germline): Likely benign. Review status: criteria provided, multiple submitters, no conflicts (2 of 4 stars). 6 submissions from 6 submitters: Likely benign (6). Last evaluated 2026-09-01.

Conditions:
Cardiomyopathy (CMYO). Also called: Cardiomyopathies. Identifiers: Orphanet 167848, MedGen C0878544, MONDO:0004994, HP:0001638. Inheritance: Various modes of inheritance.
Hypertrophic cardiomyopathy. Also called: HYPERTROPHIC MYOCARDIOPATHY. Identifiers: Orphanet 217569, MedGen C0007194, MeSH D002312, MONDO:0005045, HP:0001639.
Cardiovascular phenotype. Identifiers: MedGen CN230736.
Dilated cardiomyopathy 1R (CMD1R). Identifiers: Orphanet 154, Orphanet 54260, MedGen C3150681, MONDO:0013261, OMIM 613424.
Hypertrophic cardiomyopathy 11. Also called: ACTC1-Related Familial Hypertrophic Cardiomyopathy. Identifiers: MedGen C2677506, MONDO:0012799, OMIM 612098.
Atrial septal defect 5 (ASD5). Identifiers: Orphanet 1478, MedGen C2748552, MONDO:0013011, OMIM 612794.

Allele frequency attached by ClinVar (database versions not stated): gnomAD 0.00001; gnomAD exomes 0.00003 and 0.00006; TOPMed 0.00003; ExAC 0.00007.
gnomAD v4.1: 19 of 1,614,076 alleles (0.0012%); highest among the groups gnomAD compares: Admixed American, 0.03%; no homozygotes.

Submissions (6):

CeGaT Center for Human Genetics Tuebingen
Classification: Likely benign. Last evaluated: 2026-09-01. Review status: criteria provided, single submitter. Criteria: CeGaT Center For Human Genetics Tuebingen Variant Classification Criteria Version 2. Collection method: clinical testing. Allele origin: germline. Affected: yes. Observed: 1 variant allele.
Comment: ACTC1: BP4, BP7

Labcorp Genetics (formerly Invitae), Labcorp
Classification: Likely benign for Dilated cardiomyopathy 1R; Hypertrophic cardiomyopathy 11; Atrial septal defect 5. Last evaluated: 2025-07-21. Review status: criteria provided, single submitter. Criteria: Invitae Variant Classification Sherloc (09022015). Collection method: clinical testing. Allele origin: germline.

All of Us Research Program, National Institutes of Health
Classification: Likely benign for Hypertrophic cardiomyopathy. Last evaluated: 2023-08-15. Review status: criteria provided, single submitter. Criteria: ACMG Guidelines, 2015. Collection method: clinical testing. Allele origin: germline. Inheritance: Autosomal dominant inheritance. Observed: 3 variant alleles, 3 heterozygotes.
Comment: This study involves interpretation of variants in research participants for the purpose of population health screening. Participant phenotype was not available at the time of variant classification. Additional details can be found in publication PMID: 35346344, PMCID: PMC8962531

Ambry Genetics
Classification: Likely benign for Cardiovascular phenotype. Last evaluated: 2023-03-24. Review status: criteria provided, single submitter. Criteria: Ambry Variant Classification Scheme 2023. Collection method: clinical testing. Allele origin: germline.

Color Diagnostics, LLC DBA Color Health
Classification: Likely benign for Cardiomyopathy. Last evaluated: 2019-10-08. Review status: criteria provided, single submitter. Criteria: ACMG Guidelines, 2015. Collection method: clinical testing. Allele origin: germline.

GeneDx
Classification: Likely benign. Last evaluated: 2019-01-15. Review status: criteria provided, single submitter. Criteria: GeneDx Variant Classification Process June 2021. Collection method: clinical testing. Allele origin: germline. Affected: yes.

NM_005159.5(ACTC1):c.369G>A (p.Gln123=)

Genes: ACTC1 (actin alpha cardiac muscle 1; minus strand), GJD2-DT (GJD2 divergent transcript; plus strand). Cytogenetic location: 15q14.
Variant type: single nucleotide variant.
Coding change: c.369G>A on transcript NM_005159.5 (MANE Select); coding-DNA position 369, G replaced by A.
Protein change: p.Gln123=; no amino-acid change (glutamine 123 retained).
Molecular consequence: synonymous variant.
Genome position (GRCh38, 1-based): chr15:34,793,330, C>T on the plus strand (G>A on the coding strand, the complement: ACTC1 is on the minus strand). VCF-style: chr15-34793330-C-T. GRCh37 (hg19) VCF-style: chr15-35085531-C-T.
Identifiers: ClinVar variation 925537 (VCV000925537.16), dbSNP rs768169477, ClinGen allele CA041713.